The following is an entry in ClinVar:

ClinVar aggregate classification (germline): Uncertain significance (1 of 4 stars; one submission).

Submission:

Labcorp Genetics (formerly Invitae), Labcorp
Classification: Uncertain significance. Last evaluated: 2025-02-17. Review status: criteria provided, single submitter. Criteria: Invitae Variant Classification Sherloc (09022015). Collection method: clinical testing. Allele origin: germline.
Comment: This sequence change affects codon 150 of the TRIM28 mRNA. It is a 'silent' change, meaning that it does not change the encoded amino acid sequence of the TRIM28 protein. This variant is present in population databases (rs375772196, gnomAD 0.006%). This variant has not been reported in the literature in individuals affected with TRIM28-related conditions. Experimental studies and prediction algorithms are not available or were not evaluated, and the effect of this variant on mRNA splicing is currently unknown. In summary, the available evidence is currently insufficient to determine the role of this variant in disease. Therefore, it has been classified as a Variant of Uncertain Significance.

NM_005762.3(TRIM28):c.450C>T (p.Asn150=)

Gene: TRIM28 (tripartite motif containing 28; plus strand). Cytogenetic location: 19q13.43.
Variant type: single nucleotide variant.
Coding change: c.450C>T on transcript NM_005762.3 (MANE Select); coding-DNA position 450, C replaced by T.
Protein change: p.Asn150=; no amino-acid change (asparagine 150 retained).
Molecular consequence: synonymous variant.
Genome position (GRCh38, 1-based): chr19:58,545,534, C>T. VCF-style: chr19-58545534-C-T. GRCh37 (hg19) VCF-style: chr19-59056901-C-T.
Identifiers: ClinVar variation 3715582 (VCV003715582.2).